The following is an entry in ClinVar:

ClinVar aggregate classification (germline): Likely benign. Review status: criteria provided, multiple submitters, no conflicts (2 of 4 stars). 3 submissions from 3 submitters: Likely benign (3). Last evaluated 2026-08-27.

Conditions:
GUCY2D-related disorder. Also called: GUCY2D-related condition.
Leber congenital amaurosis 1 (LCA1). Also called: Congenital absence of the rods and cones; Leber's congenital tapetoretinal degeneration; Leber's congenital tapetoretinal dysplasia; AMAUROSIS CONGENITA OF LEBER I; RETINAL BLINDNESS, CONGENITAL. Identifiers: Orphanet 65, MedGen C2931258, MONDO:0008764, OMIM 204000.
Cone-rod dystrophy 6 (CORD6). Also called: Cone dystrophy progressive; RETINAL CONE DYSTROPHY 2. Identifiers: Orphanet 1872, MedGen C1866293, MONDO:0011143, OMIM 601777.

Allele frequency attached by ClinVar (database versions not stated): gnomAD 0.00002 and 0.00003.
gnomAD v4.1: 25 of 1,611,234 alleles (0.0016%); highest among the groups gnomAD compares: Admixed American, 0.0034%; no homozygotes.

Submissions (3):

PreventionGenetics, part of Exact Sciences
Classification: Likely benign for GUCY2D-related condition. Last evaluated: 2026-08-27. Review status: criteria provided, single submitter. Criteria: ACMG Guidelines, 2015. Collection method: clinical testing. Allele origin: germline.
Comment: This variant is classified as likely benign based on ACMG/AMP sequence variant interpretation guidelines (Richards et al. 2015 PMID: 25741868, with internal and published modifications).

Labcorp Genetics (formerly Invitae), Labcorp
Classification: Likely benign for Leber congenital amaurosis 1; Cone-rod dystrophy 6. Last evaluated: 2025-06-14. Review status: criteria provided, single submitter. Criteria: Invitae Variant Classification Sherloc (09022015). Collection method: clinical testing. Allele origin: germline.

Blueprint Genetics
Classification: Likely benign. Last evaluated: 2024-09-10. Review status: criteria provided, single submitter. Criteria: ACMG Guidelines, 2015. Collection method: clinical testing. Allele origin: germline.

NM_000180.4(GUCY2D):c.3051C>G (p.Arg1017=)

Gene: GUCY2D (guanylate cyclase 2D, retinal; plus strand). Cytogenetic location: 17p13.1.
Variant type: single nucleotide variant.
Coding change: c.3051C>G on transcript NM_000180.4 (MANE Select); coding-DNA position 3051, C replaced by G.
Protein change: p.Arg1017=; no amino-acid change (arginine 1017 retained).
Molecular consequence: synonymous variant.
Genome position (GRCh38, 1-based): chr17:8,015,934, C>G. VCF-style: chr17-8015934-C-G. GRCh37 (hg19) VCF-style: chr17-7919252-C-G.
Other names: c.3051C>G (NM_000180.3).
Identifiers: ClinVar variation 1095339 (VCV001095339.11), dbSNP rs143761257, ClinGen allele CA287534403.
Genomic context (GRCh38, chr17:8,015,934, plus strand): 5'-GAGGGGGACACGGGAGGTGAGTCCCGAGCTCACGGCGTCCCCCACCGCCACAGCTTACCG[C>G]ATCCACGTGAACTTGAGCACTGTGGGGATTCTCCGTGCTCTGGACTCGGGCTACCAGGTG-3'
Protein context (NP_000171.1, residues 1007-1027): SRMESTGLPY[Arg1017=]IHVNLSTVGI